The following is an entry in ClinVar:

ClinVar aggregate classification (germline): Conflicting classifications of pathogenicity. Review status: criteria provided, conflicting classifications (1 of 4 stars). 5 submissions from 5 submitters: Uncertain significance (2); Likely benign (2). 1 of the submissions does not count toward it. Last evaluated 2025-11-21.

Conditions:
ATM-related disorder. Also called: ATM-related disorders; ATM-related condition.
Familial cancer of breast. Also called: BREAST CANCER, FAMILIAL; Hereditary breast cancer; hereditary breast carcinoma. Identifiers: Orphanet 227535, MedGen C0346153, MONDO:0016419, OMIM 114480. Disease mechanism: loss of function.
Ataxia-telangiectasia syndrome (AT). Also called: Cerebello-oculocutaneous telangiectasia; Immunodeficiency with ataxia telangiectasia; Ataxia-telangiectasia; Ataxia telangiectasia (A-T); LOUIS-BAR SYNDROME; Ataxia-telangiectasia, complementation group D. Identifiers: Orphanet 100, MedGen C0004135, MONDO:0008840, OMIM 208900.

Allele frequency attached by ClinVar (database versions not stated): gnomAD exomes below 0.00001 and 0.00001.
gnomAD v4.1: 2 of 1,612,518 alleles (0.00012%); highest among the groups gnomAD compares: Non-Finnish European, 0.000085%; no homozygotes.

Submissions (5):

Labcorp Genetics (formerly Invitae), Labcorp
Classification: Likely benign for Ataxia-telangiectasia syndrome. Last evaluated: 2025-11-21. Review status: criteria provided, single submitter. Criteria: Invitae Variant Classification Sherloc (09022015). Collection method: clinical testing. Allele origin: germline.

Women's Health and Genetics/Laboratory Corporation of America, LabCorp
Classification: Uncertain significance. Last evaluated: 2025-02-27. Review status: criteria provided, single submitter. Criteria: LabCorp Variant Classification Summary - May 2015. Collection method: clinical testing. Allele origin: germline.

GeneDx
Classification: Uncertain significance. Last evaluated: 2024-06-30. Review status: criteria provided, single submitter. Criteria: GeneDx Variant Classification Process June 2021. Collection method: clinical testing. Allele origin: germline. Affected: yes.
Comment: Not observed at significant frequency in large population cohorts (gnomAD); In silico analysis is inconclusive as to whether the variant alters gene splicing. In the absence of RNA/functional studies, the actual effect of this sequence change is unknown; Has not been previously published as pathogenic or benign to our knowledge

Myriad Genetics, Inc.
Classification: Likely benign for Familial cancer of breast. Last evaluated: 2024-05-08. Review status: criteria provided, single submitter. Criteria: Myriad Autosomal Dominant, Autosomal Recessive and X-Linked Classification Criteria (2023). Collection method: clinical testing. Allele origin: unknown.
Comment: This variant is considered likely benign. This variant is intronic and is not expected to impact mRNA splicing.

PreventionGenetics, part of Exact Sciences
Classification: Likely benign for ATM-related condition. Last evaluated: 2024-08-09. Review status: no assertion criteria provided. Collection method: clinical testing. Allele origin: germline. Not counted in ClinVar's aggregate classification.
Comment: This variant is classified as likely benign based on ACMG/AMP sequence variant interpretation guidelines (Richards et al. 2015 PMID: 25741868, with internal and published modifications).

NM_000051.4(ATM):c.2251-7A>G

Gene: ATM (ATM serine/threonine kinase; plus strand). Cytogenetic location: 11q22.3.
Variant type: single nucleotide variant.
Coding change: c.2251-7A>G on transcript NM_000051.4 (MANE Select); 7 bases into the intron before coding-DNA position 2251, A replaced by G.
Molecular consequence: intron variant.
Genome position (GRCh38, 1-based): chr11:108,257,474, A>G. VCF-style: chr11-108257474-A-G. GRCh37 (hg19) VCF-style: chr11-108128201-A-G.
Other names: c.2251-7A>G (NM_001351834.2).
Identifiers: ClinVar variation 246109 (VCV000246109.27), dbSNP rs879254103, ClinGen allele CA10584330.